The following is an entry in ClinVar:

ClinVar aggregate classification (germline): Uncertain significance. Review status: criteria provided, multiple submitters, no conflicts (2 of 4 stars). 2 submissions from 2 submitters: Uncertain significance (2). Last evaluated 2024-11-10.

Conditions:
Inborn genetic diseases. Identifiers: MedGen C0950123, MeSH D030342.

Allele frequency attached by ClinVar (database versions not stated): TOPMed 0.00001; gnomAD 0.00003; gnomAD exomes 0.00003; ExAC 0.00008; ESP Exome Variant Server 0.00008.
gnomAD v4.1: 136 of 1,610,346 alleles (0.0084%); highest among the groups gnomAD compares: Non-Finnish European, 0.011%; no homozygotes.

Submissions (2):

Ambry Genetics
Classification: Uncertain significance for Inborn genetic diseases. Last evaluated: 2024-11-10. Review status: criteria provided, single submitter. Criteria: Ambry Variant Classification Scheme 2023. Collection method: clinical testing. Allele origin: germline.

Labcorp Genetics (formerly Invitae), Labcorp
Classification: Uncertain significance. Last evaluated: 2022-06-12. Review status: criteria provided, single submitter. Criteria: Invitae Variant Classification Sherloc (09022015). Collection method: clinical testing. Allele origin: germline.
Comment: This sequence change replaces proline, which is neutral and non-polar, with leucine, which is neutral and non-polar, at codon 799 of the COL18A1 protein (p.Pro799Leu). This variant is present in population databases (rs376924299, gnomAD 0.006%). This variant has not been reported in the literature in individuals affected with COL18A1-related conditions. Experimental studies and prediction algorithms are not available or were not evaluated, and the functional significance of this variant is currently unknown. In summary, the available evidence is currently insufficient to determine the role of this variant in disease. Therefore, it has been classified as a Variant of Uncertain Significance.

NM_001379500.1(COL18A1):c.2396C>T (p.Pro799Leu)

Gene: COL18A1 (collagen type XVIII alpha 1 chain; plus strand). Cytogenetic location: 21q22.3.
Variant type: single nucleotide variant.
Coding change: c.2396C>T on transcript NM_001379500.1 (MANE Select); coding-DNA position 2396, C replaced by T.
Protein change: p.Pro799Leu; replaces proline 799 with leucine.
Molecular consequence: missense variant.
Genome position (GRCh38, 1-based): chr21:45,494,878, C>T. VCF-style: chr21-45494878-C-T. GRCh37 (hg19) VCF-style: chr21-46914792-C-T.
Other names: NM_130445.2:c.2396C>T; c.2936C>T, p.Pro979Leu (NM_030582.4); c.3641C>T, p.Pro1214Leu (NM_130444.3); short protein forms P1214L, P979L, P799L.
Identifiers: ClinVar variation 1354272 (VCV001354272.5), dbSNP rs376924299, ClinGen allele CA10067069.